The following is an entry in ClinVar:

ClinVar aggregate classification (germline): Pathogenic (1 of 4 stars; one submission).

Conditions:
Exostoses, multiple, type 2 (EXT2). Also called: Hereditary Multiple Osteochondromatosis, Type II; EXOSTOSES, MULTIPLE, TYPE II. Identifiers: Orphanet 321, MedGen C1851413, MONDO:0007586, OMIM 133701.
Seizures-scoliosis-macrocephaly syndrome. Also called: Seizures, scoliosis, and macrocephaly syndrome; SEIZURES, SCOLIOSIS, AND MACROCEPHALY/MICROCEPHALY SYNDROME. Identifiers: Orphanet 466926, MedGen C4225248, MONDO:0014731, OMIM 616682.

Submission:

Juno Genomics, Hangzhou Juno Genomics, Inc
Classification: Pathogenic for Exostoses, multiple, type 2; Seizures-scoliosis-macrocephaly syndrome. Review status: criteria provided, single submitter. Criteria: ACMG Guidelines, 2015. Collection method: clinical testing. Allele origin: germline. Affected: yes.
Comment: Null variant in a gene where loss of function (LOF) is a known mechanism of disease.;Absent from controls (or at extremely low frequency if recessive) in Genome Aggregation Database, Exome Sequencing Project, 1000 Genomes Project, or Exome Aggregation Consortium.;Patient's phenotype or family history is highly specific for a disease with a single genetic etiology.;De novo (both maternity and paternity confirmed) in a patient with the disease and no family history.

NM_207122.2(EXT2):c.340dup (p.Tyr114fs)

Gene: EXT2 (exostosin glycosyltransferase 2; plus strand). Cytogenetic location: 11p11.2.
Variant type: Duplication.
Coding change: c.340dup on transcript NM_207122.2 (MANE Select); coding-DNA position 340, one base duplicated (T; older notation c.340dupT).
Protein change: p.Tyr114fs; shifts the reading frame from tyrosine 114.
Molecular consequence: frameshift variant.
Genome position (GRCh38, 1-based): chr11:44,108,052, T duplicated. VCF-style (leftmost placement, unchanged base first): chr11-44108051-G-GT. GRCh37 (hg19) VCF-style: chr11-44129601-G-GT.
Other names: c.340dup, p.Tyr114fs (NM_001389628.1, NM_001389630.1, NM_001178083.3); c.439dup, p.Tyr147fs (NM_000401.3); short protein forms Y114fs, Y147fs.
Identifiers: ClinVar variation 3382526 (VCV003382526.2).
Genomic context (GRCh38, chr11:44,108,051, plus strand): 5'-CTATCGCTGTGGCTTCAACCCAAAGAACAAAATCAAGGTGTATATCTATGCTCTGAAAAA[G>GT]TACGTGGATGACTTTGGCGTCTCTGTCAGCAACACCATCTCCCGGGAGTATAATGAACTG-3'